The following is an entry in ClinVar:

NM_000217.3(KCNA1):c.263G>A (p.Ser88Asn)

Gene: KCNA1 (potassium voltage-gated channel subfamily A member 1; plus strand). Cytogenetic location: 12p13.32.
Variant type: single nucleotide variant.
Coding change: c.263G>A on transcript NM_000217.3 (MANE Select); coding-DNA position 263, G replaced by A.
Protein change: p.Ser88Asn; replaces serine 88 with asparagine.
Molecular consequence: missense variant.
Genome position (GRCh38, 1-based): chr12:4,911,641, G>A. VCF-style: chr12-4911641-G-A. GRCh37 (hg19) VCF-style: chr12-5020807-G-A.
Other names: short protein forms S88N.
Identifiers: ClinVar variation 2756641 (VCV002756641.3), dbSNP rs2497351823, ClinGen allele CA383454163.

ClinVar aggregate classification (germline): Uncertain significance (1 of 4 stars; one submission).

Conditions:
Episodic ataxia type 1 (EA1). Also called: PAROXYSMAL ATAXIA WITH NEUROMYOTONIA, HEREDITARY; MYOKYMIA WITH PERIODIC ATAXIA; Episodic ataxia/myokymia syndrome; ATAXIA, EPISODIC, WITH MYOKYMIA. Identifiers: Orphanet 37612, Orphanet 972, MedGen C1719788, MONDO:0008047, OMIM 160120.

Allele frequency attached by ClinVar (database versions not stated): gnomAD exomes below 0.00001.

Submission:

Labcorp Genetics (formerly Invitae), Labcorp
Classification: Uncertain significance for Episodic ataxia type 1. Last evaluated: 2023-08-30. Review status: criteria provided, single submitter. Criteria: Invitae Variant Classification Sherloc (09022015). Collection method: clinical testing. Allele origin: germline.
Comment: In summary, the available evidence is currently insufficient to determine the role of this variant in disease. Therefore, it has been classified as a Variant of Uncertain Significance. Advanced modeling of protein sequence and biophysical properties (such as structural, functional, and spatial information, amino acid conservation, physicochemical variation, residue mobility, and thermodynamic stability) has been performed at Invitae for this missense variant, however the output from this modeling did not meet the statistical confidence thresholds required to predict the impact of this variant on KCNA1 protein function. This variant has not been reported in the literature in individuals affected with KCNA1-related conditions. This variant is not present in population databases (gnomAD no frequency). This sequence change replaces serine, which is neutral and polar, with asparagine, which is neutral and polar, at codon 88 of the KCNA1 protein (p.Ser88Asn).